The following is an entry in ClinVar:

ClinVar aggregate classification (germline): Uncertain significance (1 of 4 stars; one submission).

Submission:

GeneDx
Classification: Uncertain significance. Last evaluated: 2026-04-09. Review status: criteria provided, single submitter. Criteria: GeneDx Variant Classification Process June 2021. Collection method: clinical testing. Allele origin: germline.
Comment: Not observed at significant frequency in large population cohorts (gnomAD); In silico analysis supports that this missense variant has a deleterious effect on protein structure/function; This variant is associated with the following publications: (PMID: 30936914)

NM_001122659.3(EDNRB):c.481A>G (p.Lys161Glu)

Gene: EDNRB (endothelin receptor type B; minus strand). Cytogenetic location: 13q22.3.
Variant type: single nucleotide variant.
Coding change: c.481A>G on transcript NM_001122659.3 (MANE Select); coding-DNA position 481, A replaced by G.
Protein change: p.Lys161Glu; replaces lysine 161 with glutamic acid.
Molecular consequence: missense variant.
Genome position (GRCh38, 1-based): chr13:77,918,093, T>C on the plus strand (A>G on the coding strand, the complement: EDNRB is on the minus strand). VCF-style: chr13-77918093-T-C. GRCh37 (hg19) VCF-style: chr13-78492228-T-C.
Other names: c.481A>G, p.Lys161Glu (NM_000115.5, NM_003991.4); c.751A>G, p.Lys251Glu (NM_001201397.2); short protein forms K161E, K251E.
Identifiers: ClinVar variation 5016698 (VCV005016698.1).